The following is an entry in ClinVar:

ClinVar aggregate classification (germline): Uncertain significance (1 of 4 stars; one submission).

Conditions:
Familial thoracic aortic aneurysm and aortic dissection (TAAD). Also called: Thoracic aortic aneurysms and dissections. Identifiers: Orphanet 91387, MedGen C4707243, MONDO:0019625.

Submission:

Ambry Genetics
Classification: Uncertain significance for Familial thoracic aortic aneurysm and aortic dissection. Last evaluated: 2026-09-12. Review status: criteria provided, single submitter. Criteria: Ambry Variant Classification Scheme 2023. Collection method: clinical testing. Allele origin: germline.
Comment: The p.L640F variant (also known as c.1920A>T), located in coding exon 27 of the COL3A1 gene, results from an A to T substitution at nucleotide position 1920. The leucine at codon 640 is replaced by phenylalanine, an amino acid with highly similar properties. This amino acid position is conserved. In addition, this alteration is predicted to be tolerated by in silico analysis. Based on the available evidence, the clinical significance of this variant remains unclear.

NM_000090.4(COL3A1):c.1920A>T (p.Leu640Phe)

Gene: COL3A1 (collagen type III alpha 1 chain; plus strand). Cytogenetic location: 2q32.2.
Variant type: single nucleotide variant.
Coding change: c.1920A>T on transcript NM_000090.4 (MANE Select); coding-DNA position 1920, A replaced by T.
Protein change: p.Leu640Phe; replaces leucine 640 with phenylalanine.
Molecular consequence: missense variant.
Genome position (GRCh38, 1-based): chr2:188,997,750, A>T. VCF-style: chr2-188997750-A-T. GRCh37 (hg19) VCF-style: chr2-189862476-A-T.
Other names: short protein forms L640F.
Identifiers: ClinVar variation 5034759 (VCV005034759.1).